The following is an entry in ClinVar:

ClinVar aggregate classification (germline): Uncertain significance. Review status: criteria provided, multiple submitters, no conflicts (2 of 4 stars). 2 submissions from 2 submitters: Uncertain significance (2). Last evaluated 2022-04-21.

Allele frequency attached by ClinVar (database versions not stated): gnomAD 0.00001 and 0.00003; TOPMed 0.00001; 1000 Genomes Project 30x 0.00016; 1000 Genomes Project 0.00020.
gnomAD v4.1: 42 of 1,614,056 alleles (0.0026%); highest among the groups gnomAD compares: East Asian, 0.091%; no homozygotes.

Submissions (2):

Women's Health and Genetics/Laboratory Corporation of America, LabCorp
Classification: Uncertain significance. Last evaluated: 2022-04-21. Review status: criteria provided, single submitter. Criteria: LabCorp Variant Classification Summary - May 2015. Collection method: clinical testing. Allele origin: germline.

Labcorp Genetics (formerly Invitae), Labcorp
Classification: Uncertain significance. Last evaluated: 2022-02-02. Review status: criteria provided, single submitter. Criteria: Invitae Variant Classification Sherloc (09022015). Collection method: clinical testing. Allele origin: germline.
Comment: This sequence change replaces glutamic acid, which is acidic and polar, with lysine, which is basic and polar, at codon 527 of the CAD protein (p.Glu527Lys). This variant is present in population databases (rs141698954, gnomAD 0.06%). This variant has not been reported in the literature in individuals affected with CAD-related conditions. Algorithms developed to predict the effect of missense changes on protein structure and function are either unavailable or do not agree on the potential impact of this missense change (SIFT: "Deleterious"; PolyPhen-2: "Probably Damaging"; Align-GVGD: "Class C0"). In summary, the available evidence is currently insufficient to determine the role of this variant in disease. Therefore, it has been classified as a Variant of Uncertain Significance.

NM_004341.5(CAD):c.1579G>A (p.Glu527Lys)

Gene: CAD (carbamoyl-phosphate synthetase 2, aspartate transcarbamylase, and dihydroorotase; plus strand). Cytogenetic location: 2p23.3.
Variant type: single nucleotide variant.
Coding change: c.1579G>A on transcript NM_004341.5 (MANE Select); coding-DNA position 1579, G replaced by A.
Protein change: p.Glu527Lys; replaces glutamic acid 527 with lysine.
Molecular consequence: missense variant.
Genome position (GRCh38, 1-based): chr2:27,225,202, G>A. VCF-style: chr2-27225202-G-A. GRCh37 (hg19) VCF-style: chr2-27448070-G-A.
Other names: c.1579G>A, p.Glu527Lys (NM_001306079.2); short protein forms E527K.
Identifiers: ClinVar variation 1683301 (VCV001683301.3), dbSNP rs141698954, ClinGen allele CA44498179.